The following is an entry in ClinVar:

ClinVar aggregate classification (germline): Uncertain significance (1 of 4 stars; one submission).

Conditions:
Inborn genetic diseases. Identifiers: MedGen C0950123, MeSH D030342.

Allele frequency attached by ClinVar (database versions not stated): gnomAD exomes below 0.00001.
gnomAD v4.1: 3 of 1,614,166 alleles (0.00019%); highest among the groups gnomAD compares: Non-Finnish European, 0.00025%; no homozygotes.

Submission:

Ambry Genetics
Classification: Uncertain significance for Inborn genetic diseases. Last evaluated: 2023-10-06. Review status: criteria provided, single submitter. Criteria: Ambry Variant Classification Scheme 2023. Collection method: clinical testing. Allele origin: germline.
Comment: The p.E36A variant (also known as c.107A>C), located in coding exon 2 of the EPAS1 gene, results from an A to C substitution at nucleotide position 107. The glutamic acid at codon 36 is replaced by alanine, an amino acid with dissimilar properties. This amino acid position is conserved. In addition, the in silico prediction for this alteration is inconclusive. Since supporting evidence is limited at this time, the clinical significance of this alteration remains unclear.

NM_001430.5(EPAS1):c.107A>C (p.Glu36Ala)

Gene: EPAS1 (endothelial PAS domain protein 1; plus strand). Cytogenetic location: 2p21.
Variant type: single nucleotide variant.
Coding change: c.107A>C on transcript NM_001430.5 (MANE Select); coding-DNA position 107, A replaced by C.
Protein change: p.Glu36Ala; replaces glutamic acid 36 with alanine.
Molecular consequence: missense variant.
Genome position (GRCh38, 1-based): chr2:46,346,953, A>C. VCF-style: chr2-46346953-A-C. GRCh37 (hg19) VCF-style: chr2-46574092-A-C.
Other names: short protein forms E36A.
Identifiers: ClinVar variation 3221519 (VCV003221519.1), dbSNP rs2103616208, ClinGen allele CA346697043.
Genomic context (GRCh38, chr2:46,346,953, plus strand): 5'-AGGAGAAGTCCCGGGATGCTGCGCGGTGCCGGCGGAGCAAGGAGACGGAGGTGTTCTATG[A>C]GCTGGCCCATGAGCTGCCTCTGCCCCACAGTGTGAGCTCCCATCTGGACAAGGCCTCCAT-3'
Protein context (NP_001421.2, residues 26-46): RRSKETEVFY[Glu36Ala]LAHELPLPHS